The following is an entry in ClinVar:

NM_005430.4(WNT1):c.1093G>A (p.Val365Ile)

Gene: WNT1 (Wnt family member 1; plus strand). Cytogenetic location: 12q13.12.
Variant type: single nucleotide variant.
Coding change: c.1093G>A on transcript NM_005430.4 (MANE Select); coding-DNA position 1093, G replaced by A.
Protein change: p.Val365Ile; replaces valine 365 with isoleucine.
Molecular consequence: missense variant.
Genome position (GRCh38, 1-based): chr12:48,981,620, G>A. VCF-style: chr12-48981620-G-A. GRCh37 (hg19) VCF-style: chr12-49375403-G-A.
Other names: short protein forms V365I.
Identifiers: ClinVar variation 2171380 (VCV002171380.4), dbSNP rs1428756613, ClinGen allele CA384639305.

ClinVar aggregate classification (germline): Uncertain significance (1 of 4 stars; one submission).

gnomAD v4.1: 3 of 1,476,882 alleles (0.0002%); highest among the groups gnomAD compares: Middle Eastern, 0.036%; no homozygotes.

Submission:

Labcorp Genetics (formerly Invitae), Labcorp
Classification: Uncertain significance. Last evaluated: 2022-07-25. Review status: criteria provided, single submitter. Criteria: Invitae Variant Classification Sherloc (09022015). Collection method: clinical testing. Allele origin: germline.
Comment: In summary, the available evidence is currently insufficient to determine the role of this variant in disease. Therefore, it has been classified as a Variant of Uncertain Significance. Algorithms developed to predict the effect of missense changes on protein structure and function output the following: SIFT: "Tolerated"; PolyPhen-2: "Benign"; Align-GVGD: "Class C0". The isoleucine amino acid residue is found in multiple mammalian species, which suggests that this missense change does not adversely affect protein function. This variant has not been reported in the literature in individuals affected with WNT1-related conditions. The frequency data for this variant in the population databases is considered unreliable, as metrics indicate poor data quality at this position in the gnomAD database. This sequence change replaces valine, which is neutral and non-polar, with isoleucine, which is neutral and non-polar, at codon 365 of the WNT1 protein (p.Val365Ile).